The following is an entry in ClinVar:

ClinVar aggregate classification (germline): Conflicting classifications of pathogenicity. Review status: criteria provided, conflicting classifications (1 of 4 stars). 5 submissions from 5 submitters: Uncertain significance (1); Benign (2); Likely benign (2). Last evaluated 2025-11-21.

Conditions:
Cardiovascular phenotype. Identifiers: MedGen CN230736.
Long QT syndrome (LQTS). Identifiers: MedGen C0023976, MeSH D008133, MONDO:0002442. Disease mechanism: loss of function. Inheritance: Various modes of inheritance.
Long QT syndrome 11 (LQT11). Identifiers: Orphanet 101016, Orphanet 768, MedGen C2678483, MONDO:0012738, OMIM 611820.

Allele frequency attached by ClinVar (database versions not stated): gnomAD below 0.00001 and 0.00009; TOPMed 0.00003; gnomAD exomes 0.00014 and 0.00025; ExAC 0.00033; 1000 Genomes Project 0.00040; 1000 Genomes Project 30x 0.00047.
gnomAD v4.1: 220 of 1,614,028 alleles (0.014%); highest among the groups gnomAD compares: South Asian, 0.23%; 5 homozygotes.

Submissions (5):

Ambry Genetics
Classification: Benign for Cardiovascular phenotype. Last evaluated: 2025-11-21. Review status: criteria provided, single submitter. Criteria: Ambry Variant Classification Scheme 2023. Collection method: clinical testing. Allele origin: germline.

Labcorp Genetics (formerly Invitae), Labcorp
Classification: Likely benign for Long QT syndrome. Last evaluated: 2025-08-21. Review status: criteria provided, single submitter. Criteria: Invitae Variant Classification Sherloc (09022015). Collection method: clinical testing. Allele origin: germline.

Fulgent Genetics
Classification: Benign for Long QT syndrome 11. Last evaluated: 2021-08-17. Review status: criteria provided, single submitter. Criteria: ACMG Guidelines, 2015. Collection method: clinical testing. Allele origin: unknown.

Blueprint Genetics
Classification: Likely benign. Last evaluated: 2021-08-10. Review status: criteria provided, single submitter. Criteria: ACMG Guidelines, 2015. Collection method: clinical testing. Allele origin: germline.

Center for Genomics, Ann and Robert H. Lurie Children's Hospital of Chicago
Classification: Uncertain significance for Long QT syndrome 11. Last evaluated: 2021-03-30. Review status: criteria provided, single submitter. Criteria: ACMG Guidelines, 2015. Collection method: clinical testing. Allele origin: germline.
Comment: AKAP9 NM_005751.4 exon 33 p.Thr2782Ile (c.8345C>T): This variant has not been reported in the literature but is present in 0.1% (61/30572) of South Asian alleles in the Genome Aggregation Database, including 2 homozygotes. This variant is present in ClinVar (Variation ID:180265). Evolutionary conservation and computational predictive tools suggest that this variant may impact the protein. In summary, data on this variant is insufficient for disease classification. Therefore, the clinical significance of this variant is uncertain.

NM_005751.5(AKAP9):c.8345C>T (p.Thr2782Ile)

Gene: AKAP9 (A-kinase anchoring protein 9; plus strand). Cytogenetic location: 7q21.2.
Variant type: single nucleotide variant.
Coding change: c.8345C>T on transcript NM_005751.5 (MANE Select); coding-DNA position 8345, C replaced by T.
Protein change: p.Thr2782Ile; replaces threonine 2782 with isoleucine.
Molecular consequence: missense variant.
Genome position (GRCh38, 1-based): chr7:92,083,354, C>T. VCF-style: chr7-92083354-C-T. GRCh37 (hg19) VCF-style: chr7-91712668-C-T.
Other names: c.2990C>T, p.Thr997Ile (NM_001379277.1); c.8321C>T, p.Thr2774Ile (NM_147185.3); short protein forms T2782I, T2774I, T997I.
Identifiers: ClinVar variation 180265 (VCV000180265.14), dbSNP rs543634397, ClinGen allele CA346163.
Genomic context (GRCh38, chr7:92,083,354, plus strand): 5'-AAAAGGCCTGCATGTTTGAGCCACTTCCTATAAAACTGAGTAAGAGCATTGCATCCCAGA[C>T]AGATGGGACTCTGAAGATCAGTAGCAGCAATCAGACTCCACAAATTCTTGTTAAAAATGC-3'
Protein context (NP_005742.4, residues 2772-2792): IKLSKSIASQ[Thr2782Ile]DGTLKISSSN